The following is an entry in ClinVar:

ClinVar aggregate classification (germline): Uncertain significance (1 of 4 stars; one submission).

Conditions:
Cardiovascular phenotype. Identifiers: MedGen CN230736.

gnomAD v4.1: 1 of 1,613,790 alleles (0.000062%); highest among the groups gnomAD compares: East Asian, 0.0022%; no homozygotes.

Submission:

Ambry Genetics
Classification: Uncertain significance for Cardiovascular phenotype. Last evaluated: 2024-12-13. Review status: criteria provided, single submitter. Criteria: Ambry Variant Classification Scheme 2023. Collection method: clinical testing. Allele origin: germline.
Comment: The p.D216E variant (also known as c.648C>G), located in coding exon 6 of the TRPM4 gene, results from a C to G substitution at nucleotide position 648. The aspartic acid at codon 216 is replaced by glutamic acid, an amino acid with highly similar properties. This amino acid position is conserved. In addition, this alteration is predicted to be tolerated by in silico analysis. Based on the available evidence, the clinical significance of this variant remains unclear.

NM_017636.4(TRPM4):c.648C>G (p.Asp216Glu)

Gene: TRPM4 (transient receptor potential cation channel subfamily M member 4; plus strand). Cytogenetic location: 19q13.33.
Variant type: single nucleotide variant.
Coding change: c.648C>G on transcript NM_017636.4 (MANE Select); coding-DNA position 648, C replaced by G.
Protein change: p.Asp216Glu; replaces aspartic acid 216 with glutamic acid.
Molecular consequence: missense variant. On other transcripts: 5 prime UTR variant (2).
Genome position (GRCh38, 1-based): chr19:49,168,588, C>G. VCF-style: chr19-49168588-C-G. GRCh37 (hg19) VCF-style: chr19-49671845-C-G.
Other names: c.648C>G, p.Asp216Glu (NM_001195227.2); c.303C>G, p.Asp101Glu (NM_001321281.2); c.-906C>G (NM_001321282.2); c.126C>G, p.Asp42Glu (NM_001321283.2); c.-202C>G (NM_001321285.2); short protein forms D101E, D216E, D42E.
Identifiers: ClinVar variation 3811036 (VCV003811036.1).